The following is an entry in ClinVar:

NM_001142864.4(PIEZO1):c.790T>C (p.Tyr264His)

Genes: HSALR1 (HSP90AB1 associated lncRNA 1; plus strand), PIEZO1 (piezo type mechanosensitive ion channel component 1 (Er blood group); minus strand). Cytogenetic location: 16q24.3.
Variant type: single nucleotide variant.
Coding change: c.790T>C on transcript NM_001142864.4 (MANE Select); coding-DNA position 790, T replaced by C.
Protein change: p.Tyr264His; replaces tyrosine 264 with histidine.
Molecular consequence: missense variant. On other transcripts: non-coding transcript variant (1).
Genome position (GRCh38, 1-based): chr16:88,738,285, A>G on the plus strand (T>C on the coding strand, the complement: PIEZO1 is on the minus strand). VCF-style: chr16-88738285-A-G. GRCh37 (hg19) VCF-style: chr16-88804693-A-G.
Other names: short protein forms Y264H.
Identifiers: ClinVar variation 4278936 (VCV004278936.1).

ClinVar aggregate classification (germline): Uncertain significance (1 of 4 stars; one submission).

Conditions:
Dehydrated hereditary stomatocytosis with or without pseudohyperkalemia and/or perinatal edema (DHS1). Also called: Dehydrated hereditary stomatocytosis 1 with or without pseudohyperkalemia and/or perinatal edema; PSEUDOHYPERKALEMIA EDINBURGH; DEHYDRATED HEREDITARY STOMATOCYTOSIS AND PSEUDOHYPERKALEMIA; DEHYDRATED HEREDITARY STOMATOCYTOSIS WITH PSEUDOHYPERKALEMIA AND PERINATAL EDEMA; Pseudohyperkalemia, familial, 1, due to red cell leak. Identifiers: Orphanet 3202, MedGen C4551512, MONDO:0008689, OMIM 194380.

Submission:

Hunan Provincial Maternal and Child Health Care Hospital
Classification: Uncertain significance for Dehydrated hereditary stomatocytosis with or without pseudohyperkalemia and/or perinatal edema. Last evaluated: 2021-11-08. Review status: criteria provided, single submitter. Criteria: ACMG Guidelines, 2015. Collection method: clinical testing. Allele origin: unknown. Inheritance: Autosomal dominant inheritance. Affected: yes. Observed: 1 heterozygote.
Comment: The NM_001142864.4 c.790T>C,is a missense variant in PIEZO1 which is disrupts the Tyr264 amino acid residue.Multiple bioinformatics tools predicted deleterious effects on PIEZO1(PP3;REVEL_score:0.751).The frequency of this variant in the gnomAD is 0.0001061(version 2.1.1).In summary, this variant to be classified as Uncertain significance based on the ACMG criteria applied: PP3.